The following is an entry in ClinVar:

NM_014714.4(IFT140):c.3060C>G (p.Tyr1020Ter)

Genes: IFT140 (intraflagellar transport 140; minus strand), LOC126862260 (CDK7 strongly-dependent group 2 enhancer GRCh37_chr16:1574508-1575707; plus strand). Cytogenetic location: 16p13.3.
Variant type: single nucleotide variant.
Coding change: c.3060C>G on transcript NM_014714.4 (MANE Select); coding-DNA position 3060, C replaced by G.
Protein change: p.Tyr1020Ter; replaces tyrosine 1020 with a stop codon.
Molecular consequence: nonsense.
Genome position (GRCh38, 1-based): chr16:1,524,633, G>C on the plus strand (C>G on the coding strand, the complement: IFT140 is on the minus strand). VCF-style: chr16-1524633-G-C. GRCh37 (hg19) VCF-style: chr16-1574634-G-C.
Other names: short protein forms Y1020*.
Identifiers: ClinVar variation 2910387 (VCV002910387.5), dbSNP rs545658252, ClinGen allele CA7813339.

ClinVar aggregate classification (germline): Pathogenic/Likely pathogenic. Review status: criteria provided, multiple submitters, no conflicts (2 of 4 stars). 3 submissions from 3 submitters: Pathogenic (2); Likely pathogenic (1). Last evaluated 2025-04-16.

Conditions:
IFT140-related disorders.
Retinitis pigmentosa 80 (RP80). Identifiers: MedGen C4540439, MONDO:0054708, OMIM 617781.
Saldino-Mainzer syndrome (SRTD9). Also called: CONORENAL SYNDROME; short-rib thoracic dysplasia 9 with or without polydactyly; SHORT-RIB THORACIC DYSPLASIA 9 WITHOUT POLYDACTYLY; Renal dysplasia, retinal pigmentary dystrophy, cerebellar ataxia and skeletal dysplasia. Identifiers: Orphanet 140969, MedGen C1849437, MONDO:0009964, OMIM 266920.

Submissions (3):

Labcorp Genetics (formerly Invitae), Labcorp
Classification: Pathogenic for Saldino-Mainzer syndrome. Last evaluated: 2025-04-16. Review status: criteria provided, single submitter. Criteria: Invitae Variant Classification Sherloc (09022015). Collection method: clinical testing. Allele origin: germline.
Comment: This sequence change creates a premature translational stop signal (p.Tyr1020*) in the IFT140 gene. It is expected to result in an absent or disrupted protein product. Loss-of-function variants in IFT140 are known to be pathogenic (PMID: 22503633, 23418020, 24009529, 26216056). This variant is present in population databases (rs545658252, gnomAD 0.0009%). This premature translational stop signal has been observed in individual(s) with retinitis pigmentosa (PMID: 28559085). ClinVar contains an entry for this variant (Variation ID: 2910387). For these reasons, this variant has been classified as Pathogenic.

Fulgent Genetics
Classification: Pathogenic for Saldino-Mainzer syndrome; Retinitis pigmentosa 80. Last evaluated: 2024-03-12. Review status: criteria provided, single submitter. Criteria: ACMG Guidelines, 2015. Collection method: clinical testing. Allele origin: germline.

Blueprint Genetics
Classification: Likely pathogenic for IFT140-related disorders. Last evaluated: 2023-09-05. Review status: criteria provided, single submitter. Criteria: ACMG Guidelines, 2015. Collection method: clinical testing. Allele origin: germline. Affected: yes. Observed: 2 variant alleles.

Literature cited by the submitters: PubMed 22503633 (cited by Labcorp Genetics (formerly Invitae), Labcorp); PubMed 23418020 (cited by Labcorp Genetics (formerly Invitae), Labcorp); PubMed 24009529 (cited by Labcorp Genetics (formerly Invitae), Labcorp); PubMed 26216056 (cited by Labcorp Genetics (formerly Invitae), Labcorp); PubMed 28559085 (cited by Labcorp Genetics (formerly Invitae), Labcorp).